The following is an entry in ClinVar:

ClinVar aggregate classification (germline): Uncertain significance (1 of 4 stars; one submission).

Submission:

Labcorp Genetics (formerly Invitae), Labcorp
Classification: Uncertain significance. Last evaluated: 2025-06-10. Review status: criteria provided, single submitter. Criteria: Invitae Variant Classification Sherloc (09022015). Collection method: clinical testing. Allele origin: germline.
Comment: This sequence change falls in intron 18 of the OPA1 gene. It does not directly change the encoded amino acid sequence of the OPA1 protein. Information on the frequency of this variant in the gnomAD database is not available, as this variant may be reported differently in the database. This variant has not been reported in the literature in individuals affected with OPA1-related conditions. Experimental studies and prediction algorithms are not available or were not evaluated, and the effect of this variant on mRNA splicing is currently unknown. In summary, the available evidence is currently insufficient to determine the role of this variant in disease. Therefore, it has been classified as a Variant of Uncertain Significance.

NM_130837.3(OPA1):c.1935+15_1935+16delinsTG

Gene: OPA1 (OPA1 mitochondrial dynamin like GTPase; plus strand). Cytogenetic location: 3q29.
Variant type: Indel.
Coding change: c.1935+15_1935+16delinsTG on transcript NM_130837.3 (MANE Select); bases 15 to 16 of the intron after coding-DNA position 1935, CT replaced by TG.
Molecular consequence: intron variant.
Genome position (GRCh38, 1-based): chr3:193,648,149-193,648,150, CT replaced by TG. VCF-style: chr3-193648149-CT-TG. GRCh37 (hg19) VCF-style: chr3-193365938-CT-TG.
Other names: c.1398+15_1398+16delinsTG (NM_001354664.2); c.1401+15_1401+16delinsTG (NM_001354663.2); c.1824+15_1824+16delinsTG (NM_130834.3); c.1881+15_1881+16delinsTG (NM_130836.3); c.1770+15_1770+16delinsTG (NM_015560.3); c.1827+15_1827+16delinsTG (NM_130835.3); c.1716+15_1716+16delinsTG (NM_130832.3); c.1773+15_1773+16delinsTG (NM_130833.3); and 1 more.
Identifiers: ClinVar variation 4694491 (VCV004694491.1).
Genomic context (GRCh38, chr3:193,648,149, plus strand): 5'-AACTGAATGGAAGAATAACTATCCTCGCCTGCGGGAACTTGACCGGGTAATATTTGGATA[CT>TG]CGTGTATTTTGTATATATCTTAATTTAATGTTGTTTGCTAACTAAATTTATGTTGAGAGA-3'